The following is an entry in ClinVar:

ClinVar aggregate classification (germline): Uncertain significance (1 of 4 stars; one submission).

Submission:

Labcorp Genetics (formerly Invitae), Labcorp
Classification: Uncertain significance. Last evaluated: 2025-11-03. Review status: criteria provided, single submitter. Criteria: Invitae Variant Classification Sherloc (09022015). Collection method: clinical testing. Allele origin: germline.
Comment: This sequence change replaces proline, which is neutral and non-polar, with leucine, which is neutral and non-polar, at codon 858 of the COL11A1 protein (p.Pro858Leu). This variant is not present in population databases (gnomAD no frequency). This variant has not been reported in the literature in individuals affected with COL11A1-related conditions. ClinVar contains an entry for this variant (Variation ID: 3013872). Invitae Evidence Modeling of protein sequence and biophysical properties (such as structural, functional, and spatial information, amino acid conservation, physicochemical variation, residue mobility, and thermodynamic stability) indicates that this missense variant is not expected to disrupt COL11A1 protein function with a negative predictive value of 80%. In summary, the available evidence is currently insufficient to determine the role of this variant in disease. Therefore, it has been classified as a Variant of Uncertain Significance.

NM_001854.4(COL11A1):c.2573C>T (p.Pro858Leu)

Gene: COL11A1 (collagen type XI alpha 1 chain; minus strand). Cytogenetic location: 1p21.1.
Variant type: single nucleotide variant.
Coding change: c.2573C>T on transcript NM_001854.4 (MANE Select); coding-DNA position 2573, C replaced by T.
Protein change: p.Pro858Leu; replaces proline 858 with leucine.
Molecular consequence: missense variant. On other transcripts: non-coding transcript variant (1).
Genome position (GRCh38, 1-based): chr1:102,979,419, G>A on the plus strand (C>T on the coding strand, the complement: COL11A1 is on the minus strand). VCF-style: chr1-102979419-G-A. GRCh37 (hg19) VCF-style: chr1-103444975-G-A.
Other names: c.2225C>T, p.Pro742Leu (NM_001168249.1, NM_080630.4); c.2456C>T, p.Pro819Leu (NM_001190709.2); c.2609C>T, p.Pro870Leu (NM_080629.3); short protein forms P742L, P870L, P819L, P858L.
Identifiers: ClinVar variation 3013872 (VCV003013872.3), dbSNP rs2525118050, ClinGen allele CA341164092.